The following is an entry in ClinVar:

NM_001256545.2(MEGF10):c.2230C>T (p.Gln744Ter)

Gene: MEGF10 (multiple EGF like domains 10; plus strand). Cytogenetic location: 5q23.2.
Variant type: single nucleotide variant.
Coding change: c.2230C>T on transcript NM_001256545.2 (MANE Select); coding-DNA position 2230, C replaced by T.
Protein change: p.Gln744Ter; replaces glutamine 744 with a stop codon.
Molecular consequence: nonsense.
Genome position (GRCh38, 1-based): chr5:127,438,564, C>T. VCF-style: chr5-127438564-C-T. GRCh37 (hg19) VCF-style: chr5-126774256-C-T.
Other names: c.2230C>T, p.Gln744Ter (NM_032446.3); short protein forms Q744*.
Identifiers: ClinVar variation 1709157 (VCV001709157.2), dbSNP rs2479766812, ClinGen allele CA360733064.

ClinVar aggregate classification (germline): Likely pathogenic (1 of 4 stars; one submission).

Conditions:
MEGF10-related myopathy (CMYO10A). Also called: Congenital myopathy 10A, severe variant. Identifiers: Orphanet 439212, MedGen C3280679, MONDO:0013731, OMIM 614399.

Submission:

MGZ Medical Genetics Center
Classification: Likely pathogenic for MEGF10-related myopathy. Last evaluated: 2022-08-01. Review status: criteria provided, single submitter. Criteria: ACMG Guidelines, 2015. Collection method: clinical testing. Allele origin: germline. Affected: yes. Observed: 1 variant allele.
Comment: ACMG criteria applied: PVS1, PM2_SUP